The following is an entry in ClinVar:

NM_000719.7(CACNA1C):c.3962C>T (p.Ser1321Phe)

Gene: CACNA1C (calcium voltage-gated channel subunit alpha1 C; plus strand). Cytogenetic location: 12p13.33.
Variant type: single nucleotide variant.
Coding change: c.3962C>T on transcript NM_000719.7 (MANE Select); coding-DNA position 3962, C replaced by T.
Protein change: p.Ser1321Phe; replaces serine 1321 with phenylalanine.
Molecular consequence: missense variant.
Genome position (GRCh38, 1-based): chr12:2,651,656, C>T. VCF-style: chr12-2651656-C-T. GRCh37 (hg19) VCF-style: chr12-2760822-C-T.
Other names: c.4106C>T, p.Ser1369Phe (NM_001129827.2, NM_199460.4); c.4028C>T, p.Ser1343Phe (NM_001129829.2); c.3962C>T, p.Ser1321Phe (NM_001129830.3, NM_001129833.2, NM_001129834.2 and 7 more transcripts); c.4046C>T, p.Ser1349Phe (NM_001129831.2); c.4022C>T, p.Ser1341Phe (NM_001129832.2); c.4013C>T, p.Ser1338Phe (NM_001129836.2); c.3929C>T, p.Ser1310Phe (NM_001129837.2, NM_001129838.2, NM_001129846.2 and 1 more transcripts); c.3923C>T, p.Ser1308Phe (NM_001129839.2); and 1 more; short protein forms S1321F, S1369F, S1341F, S1310F, S1318F, S1349F, S1308F, S1343F.
Identifiers: ClinVar variation 424540 (VCV000424540.2), dbSNP rs779278894, ClinGen allele CA16619507.

ClinVar aggregate classification (germline): Uncertain significance (1 of 4 stars; one submission).

gnomAD v4.1: 1 of 1,613,912 alleles (0.000062%); highest among the groups gnomAD compares: Non-Finnish European, 0.000085%; no homozygotes.

Submission:

GeneDx
Classification: Uncertain significance. Last evaluated: 2017-03-27. Review status: criteria provided, single submitter. Criteria: GeneDx Variant Classification (06012015). Collection method: clinical testing. Allele origin: germline. Affected: yes.
Comment: The S1321F variant in the CACNA1C gene has not been reported previously as a pathogenic variant, nor as a benign variant, to our knowledge. The S1321F variant is not observed in large population cohorts (Lek et al., 2016; 1000 Genomes Consortium et al., 2015; Exome Variant Server). The S1321F variant is a non-conservative amino acid substitution, which is likely to impact secondary protein structure as these residues differ in polarity, charge, size and/or other properties. This substitution occurs at a position that is conserved in mammals and in silico analysis predicts this variant is probably damaging to the protein structure/function. We interpret S1321F as a variant of uncertain significance.